The following is an entry in ClinVar:

ClinVar aggregate classification (germline): Benign/Likely benign. Review status: criteria provided, multiple submitters, no conflicts (2 of 4 stars). 4 submissions from 4 submitters: Benign (1); Likely benign (2). 1 of the submissions does not count toward it. Last evaluated 2026-01-28.

Conditions:
RAI1-related disorder. Also called: RAI1-related condition.
Smith-Magenis syndrome (SMS). Also called: CHROMOSOME 17p11.2 DELETION SYNDROME. Identifiers: Orphanet 819, MedGen C0795864, MONDO:0008434, OMIM 182290.

Allele frequency attached by ClinVar (database versions not stated): TOPMed below 0.00001; gnomAD 0.00001; gnomAD exomes 0.00002 and 0.00004; ExAC 0.00008.
gnomAD v4.1: 24 of 1,612,782 alleles (0.0015%); highest among the groups gnomAD compares: Admixed American, 0.012%; no homozygotes.

Submissions (4):

Labcorp Genetics (formerly Invitae), Labcorp
Classification: Benign. Last evaluated: 2026-01-28. Review status: criteria provided, single submitter. Criteria: Invitae Variant Classification Sherloc (09022015). Collection method: clinical testing. Allele origin: germline.

GeneDx
Classification: Likely benign. Last evaluated: 2022-05-20. Review status: criteria provided, single submitter. Criteria: GeneDx Variant Classification Process June 2021. Collection method: clinical testing. Allele origin: germline. Affected: yes.
Comment: See Variant Classification Assertion Criteria.

Department of Pathology and Laboratory Medicine, Sinai Health System
Classification: Likely benign for Smith-Magenis syndrome. Last evaluated: 2021-08-10. Review status: criteria provided, single submitter. Criteria: ACMG Guidelines, 2015. Collection method: research. Allele origin: germline.

PreventionGenetics, part of Exact Sciences
Classification: Uncertain significance for RAI1-related condition. Last evaluated: 2024-01-31. Review status: no assertion criteria provided. Collection method: clinical testing. Allele origin: germline. Not counted in ClinVar's aggregate classification.
Comment: The RAI1 c.1487C>T variant is predicted to result in the amino acid substitution p.Pro496Leu. To our knowledge, this variant has not been reported in the literature. This variant is reported in 0.012% of alleles in individuals of Latino descent in gnomAD, which is more common than expected for an undocumented cause of disease. Although we suspect that this variant may be benign, at this time, the clinical significance of this variant is uncertain due to the absence of conclusive functional and genetic evidence.

NM_030665.4(RAI1):c.1487C>T (p.Pro496Leu)

Gene: RAI1 (retinoic acid induced 1; plus strand). Cytogenetic location: 17p11.2.
Variant type: single nucleotide variant.
Coding change: c.1487C>T on transcript NM_030665.4 (MANE Select); coding-DNA position 1487, C replaced by T.
Protein change: p.Pro496Leu; replaces proline 496 with leucine.
Molecular consequence: missense variant.
Genome position (GRCh38, 1-based): chr17:17,794,435, C>T. VCF-style: chr17-17794435-C-T. GRCh37 (hg19) VCF-style: chr17-17697749-C-T.
Other names: short protein forms P496L.
Identifiers: ClinVar variation 1686774 (VCV001686774.11), dbSNP rs200903510, ClinGen allele CA8418341.